The following is an entry in ClinVar:

ClinVar aggregate classification (germline): Conflicting classifications of pathogenicity. Review status: criteria provided, conflicting classifications (1 of 4 stars). 3 submissions from 3 submitters: Uncertain significance (2); Likely benign (1). Last evaluated 2026-02-24.

Allele frequency attached by ClinVar (database versions not stated): gnomAD 0.00001; gnomAD exomes 0.00001 and below 0.00001; TOPMed 0.00003.
gnomAD v4.1: 8 of 1,613,136 alleles (0.0005%); highest among the groups gnomAD compares: Admixed American, 0.0083%; no homozygotes.

Submissions (3):

Women's Health and Genetics/Laboratory Corporation of America, LabCorp
Classification: Uncertain significance. Last evaluated: 2026-02-24. Review status: criteria provided, single submitter. Criteria: LabCorp Variant Classification Summary - May 2015. Collection method: clinical testing. Allele origin: germline.
Comment: Variant summary: SOX10 c.782G>A (p.Arg261His) results in a non-conservative amino acid change in the encoded protein sequence. Algorithms developed to predict the effect of missense changes on protein structure and function all suggest that this variant is likely to be disruptive. The variant allele was found at a frequency of 8.1e-06 in 248122 control chromosomes. The available data on variant occurrences in the general population are insufficient to allow any conclusion about variant significance. c.782G>A has been observed in a heterozygous individual affected with sensorineural hearing loss (e.g. Corriols-Noval_2022). These report(s) do not provide unequivocal conclusions about association of the variant with Waardenburg Syndrome Type 2E. To our knowledge, no experimental evidence demonstrating an impact on protein function has been reported. The following publication has been ascertained in the context of this evaluation (PMID: 36190904). ClinVar contains an entry for this variant (Variation ID: 1214645). Based on the evidence outlined above, the variant was classified as uncertain significance.

Labcorp Genetics (formerly Invitae), Labcorp
Classification: Uncertain significance. Last evaluated: 2025-05-12. Review status: criteria provided, single submitter. Criteria: Invitae Variant Classification Sherloc (09022015). Collection method: clinical testing. Allele origin: germline.
Comment: This sequence change replaces arginine, which is basic and polar, with histidine, which is basic and polar, at codon 261 of the SOX10 protein (p.Arg261His). This variant is present in population databases (no rsID available, gnomAD 0.006%). This missense change has been observed in individual(s) with deafness (PMID: 36190904). ClinVar contains an entry for this variant (Variation ID: 1214645). Invitae Evidence Modeling of protein sequence and biophysical properties (such as structural, functional, and spatial information, amino acid conservation, physicochemical variation, residue mobility, and thermodynamic stability) indicates that this missense variant is not expected to disrupt SOX10 protein function with a negative predictive value of 95%. In summary, the available evidence is currently insufficient to determine the role of this variant in disease. Therefore, it has been classified as a Variant of Uncertain Significance.

GeneDx
Classification: Likely benign. Last evaluated: 2021-02-19. Review status: criteria provided, single submitter. Criteria: GeneDx Variant Classification Process June 2021. Collection method: clinical testing. Allele origin: germline. Affected: yes.
Comment: In silico analysis, which includes protein predictors and evolutionary conservation, supports a deleterious effect; Has not been previously published as pathogenic or benign to our knowledge

Literature cited by the submitters: PubMed 36190904 (cited by Women's Health and Genetics/Laboratory Corporation of America, LabCorp and Labcorp Genetics (formerly Invitae), Labcorp).

NM_006941.4(SOX10):c.782G>A (p.Arg261His)

Genes: POLR2F (RNA polymerase II, I and III subunit F; plus strand), SOX10 (SRY-box transcription factor 10; minus strand). Cytogenetic location: 22q13.1.
Variant type: single nucleotide variant.
Coding change: c.782G>A on transcript NM_006941.4 (MANE Select); coding-DNA position 782, G replaced by A.
Protein change: p.Arg261His; replaces arginine 261 with histidine.
Molecular consequence: missense variant. On other transcripts: intron variant (3).
Genome position (GRCh38, 1-based): chr22:37,974,114, C>T on the plus strand (G>A on the coding strand, the complement: SOX10 is on the minus strand). VCF-style: chr22-37974114-C-T. GRCh37 (hg19) VCF-style: chr22-38370121-C-T.
Other names: c.*38+1804C>T (NM_001363825.1); c.293+6944C>T (NM_001301130.2, NM_001301131.2); short protein forms R261H.
Identifiers: ClinVar variation 1214645 (VCV001214645.10), dbSNP rs1407535458, ClinGen allele CA411494294.
Genomic context (GRCh38, chr22:37,974,114, plus strand): 5'-ATCTCACCAATGTCCACGTTGCCGAAGTCGATGTGAGGCTTCCCGCCCTCCCCCATGGAG[C>T]GCCCGTCCCGCTTCGGGTCTGCCTTGCCCGACTGCAGCTCTGTCTTCGGGGTGGTTGGAG-3'
Protein context (NP_008872.1, residues 251-271): SGKADPKRDG[Arg261His]SMGEGGKPHI